The following is an entry in ClinVar:

ClinVar aggregate classification (germline): Uncertain significance. Review status: criteria provided, multiple submitters, no conflicts (2 of 4 stars). 2 submissions from 2 submitters: Uncertain significance (2). Last evaluated 2025-10-01.

Conditions:
Inborn genetic diseases. Identifiers: MedGen C0950123, MeSH D030342.

Allele frequency attached by ClinVar (database versions not stated): ExAC 0.00002; gnomAD exomes 0.00003; gnomAD 0.00004 and 0.00005; TOPMed 0.00005; ESP Exome Variant Server 0.00008.
gnomAD v4.1: 54 of 1,613,590 alleles (0.0033%); highest among the groups gnomAD compares: Non-Finnish European, 0.0042%; no homozygotes.

Submissions (2):

Labcorp Genetics (formerly Invitae), Labcorp
Classification: Uncertain significance. Last evaluated: 2025-10-01. Review status: criteria provided, single submitter. Criteria: Invitae Variant Classification Sherloc (09022015). Collection method: clinical testing. Allele origin: germline.
Comment: This sequence change replaces leucine, which is neutral and non-polar, with serine, which is neutral and polar, at codon 105 of the DNAAF4 protein (p.Leu105Ser). This variant is present in population databases (rs149971133, gnomAD 0.007%). This variant has not been reported in the literature in individuals affected with DNAAF4-related conditions. ClinVar contains an entry for this variant (Variation ID: 850803). Invitae Evidence Modeling of protein sequence and biophysical properties (such as structural, functional, and spatial information, amino acid conservation, physicochemical variation, residue mobility, and thermodynamic stability) indicates that this missense variant is not expected to disrupt DNAAF4 protein function with a negative predictive value of 80%. In summary, the available evidence is currently insufficient to determine the role of this variant in disease. Therefore, it has been classified as a Variant of Uncertain Significance.

Ambry Genetics
Classification: Uncertain significance for Inborn genetic diseases. Last evaluated: 2025-05-18. Review status: criteria provided, single submitter. Criteria: Ambry Variant Classification Scheme 2023. Collection method: clinical testing. Allele origin: germline.

NM_130810.4(DNAAF4):c.314T>C (p.Leu105Ser)

Genes: DNAAF4-CCPG1 (DNAAF4-CCPG1 readthrough (NMD candidate); minus strand), DNAAF4 (dynein axonemal assembly factor 4; minus strand). Cytogenetic location: 15q21.3.
Variant type: single nucleotide variant.
Coding change: c.314T>C on transcript NM_130810.4 (MANE Select); coding-DNA position 314, T replaced by C.
Protein change: p.Leu105Ser; replaces leucine 105 with serine.
Molecular consequence: missense variant. On other transcripts: non-coding transcript variant (1).
Genome position (GRCh38, 1-based): chr15:55,491,214, A>G on the plus strand (T>C on the coding strand, the complement: DNAAF4 is on the minus strand). VCF-style: chr15-55491214-A-G. GRCh37 (hg19) VCF-style: chr15-55783412-A-G.
Other names: c.314T>C, p.Leu105Ser (NM_001033559.3, NM_001033560.2); short protein forms L105S.
Identifiers: ClinVar variation 850803 (VCV000850803.9), dbSNP rs149971133, ClinGen allele CA7575075.